The following is an entry in ClinVar:

NM_007294.4(BRCA1):c.2967_2970del (p.Phe989fs)

Gene: BRCA1 (BRCA1 DNA repair associated; minus strand). Cytogenetic location: 17q21.31.
Variant type: Deletion.
Coding change: c.2967_2970del on transcript NM_007294.4 (MANE Select); coding-DNA positions 2967 to 2970, 4 bases deleted (TGTT; older notation c.2967_2970delTGTT).
Protein change: p.Phe989fs; shifts the reading frame from phenylalanine 989.
Molecular consequence: frameshift variant. On other transcripts: intron variant (137).
Genome position (GRCh38, 1-based): chr17:43,092,561-43,092,564, AACA deleted on the plus strand (TGTT on the coding strand, the reverse complement: BRCA1 is on the minus strand); deleting any 4 consecutive bases within chr17:43,092,561-43,092,566 gives the same sequence; the c. name uses the placement nearest the transcript's 3' end. VCF-style (leftmost placement, unchanged base first): chr17-43092560-TAACA-T. GRCh37 (hg19) VCF-style: chr17-41244577-TAACA-T.
Other names: c.2757_2760del, p.Phe919fs (NM_001407900.1, NM_001407902.1, NM_001407904.1 and 13 more transcripts); c.2700_2703del, p.Phe900fs (NM_001407932.1, NM_001407934.1, NM_001407936.1 and 2 more transcripts); c.2703_2706del, p.Phe901fs (NM_001407933.1, NM_001407935.1, NM_001407920.1 and 9 more transcripts); c.2844_2847del, p.Phe948fs (NM_001407937.1, NM_001407938.1, NM_001407939.1 and 19 more transcripts); c.2841_2844del, p.Phe947fs (NM_001407940.1, NM_001407941.1, NM_001407649.1 and 11 more transcripts); c.2826_2829del, p.Phe942fs (NM_001407942.1, NM_001407944.1, NM_001407945.1 and 29 more transcripts); c.2823_2826del, p.Phe941fs (NM_001407943.1, NM_001407964.1, NM_001407740.1 and 20 more transcripts); c.2634_2637del, p.Phe878fs (NM_001407946.1, NM_001407947.1, NM_001407948.1 and 6 more transcripts); and 41 more; short protein forms F693fs, F821fs, F861fs, F862fs, F877fs, F878fs, F900fs, F901fs.
Identifiers: ClinVar variation 2674418 (VCV002674418.1), dbSNP rs2552179147, ClinGen allele CA2695201341.

ClinVar aggregate classification (germline): Pathogenic (1 of 4 stars; one submission).

Conditions:
Breast-ovarian cancer, familial, susceptibility to, 1 (BROVCA1). Also called: BRCA1 Hereditary Breast and Ovarian Cancer; OVARIAN CANCER, SUSCEPTIBILITY TO. Identifiers: Orphanet 145, MedGen C2676676, MONDO:0011450, OMIM 604370. Disease mechanism: loss of function.

Submission:

Myriad Genetics, Inc.
Classification: Pathogenic for Breast-ovarian cancer, familial, susceptibility to, 1. Last evaluated: 2023-07-06. Review status: criteria provided, single submitter. Criteria: Myriad Autosomal Dominant, Autosomal Recessive and X-Linked Classification Criteria (2023). Collection method: clinical testing. Allele origin: unknown.
Comment: This variant is considered pathogenic. This variant creates a frameshift predicted to result in premature protein truncation.